The following is an entry in ClinVar:

NM_145207.3(AFG2A):c.1010T>C (p.Ile337Thr)

Gene: AFG2A (AFG2 AAA ATPase homolog A; plus strand). Cytogenetic location: 4q28.1.
Variant type: single nucleotide variant.
Coding change: c.1010T>C on transcript NM_145207.3 (MANE Select); coding-DNA position 1010, T replaced by C.
Protein change: p.Ile337Thr; replaces isoleucine 337 with threonine.
Molecular consequence: missense variant.
Genome position (GRCh38, 1-based): chr4:122,934,601, T>C. VCF-style: chr4-122934601-T-C. GRCh37 (hg19) VCF-style: chr4-123855756-T-C.
Other names: c.1007T>C, p.Ile336Thr (NM_001317799.2, NM_001345856.2); short protein forms I336T, I337T.
Identifiers: ClinVar variation 1053236 (VCV001053236.2), dbSNP rs775914629, ClinGen allele CA3070349.

ClinVar aggregate classification (germline): Uncertain significance (1 of 4 stars; one submission).

Conditions:
Microcephaly-intellectual disability-sensorineural hearing loss-epilepsy-abnormal muscle tone syndrome (NEDHSB). Also called: NEURODEVELOPMENTAL DISORDER WITH HEARING LOSS, SEIZURES, AND BRAIN ABNORMALITIES. Identifiers: Orphanet 457351, MedGen C4225276, MONDO:0014698, OMIM 616577.

Allele frequency attached by ClinVar (database versions not stated): gnomAD exomes below 0.00001 and 0.00001; ExAC 0.00001.
gnomAD v4.1: 6 of 1,613,912 alleles (0.00037%); highest among the groups gnomAD compares: East Asian, 0.013%; no homozygotes.

Submission:

Labcorp Genetics (formerly Invitae), Labcorp
Classification: Uncertain significance for Microcephaly-intellectual disability-sensorineural hearing loss-epilepsy-abnormal muscle tone syndrome. Last evaluated: 2021-09-02. Review status: criteria provided, single submitter. Criteria: Invitae Variant Classification Sherloc (09022015). Collection method: clinical testing. Allele origin: germline.
Comment: This sequence change replaces isoleucine with threonine at codon 337 of the SPATA5 protein (p.Ile337Thr). The isoleucine residue is moderately conserved and there is a moderate physicochemical difference between isoleucine and threonine. This variant is present in population databases (rs775914629, ExAC 0.01%). This variant has not been reported in the literature in individuals affected with SPATA5-related conditions. Algorithms developed to predict the effect of missense changes on protein structure and function (SIFT, PolyPhen-2, Align-GVGD) all suggest that this variant is likely to be tolerated. In summary, the available evidence is currently insufficient to determine the role of this variant in disease. Therefore, it has been classified as a Variant of Uncertain Significance.